The following is an entry in ClinVar:

ClinVar aggregate classification (germline): Likely benign. Review status: reviewed by expert panel (3 of 4 stars). 2 submissions from 2 submitters: Likely benign (1). 1 of the submissions does not count toward it. Last evaluated 2022-06-06.

Conditions:
Creatine transporter deficiency (CCDS1). Also called: Mental retardation , X-linked with seizures, short stature and midface hypoplasia; Mental retardation , X-linked, with creatine transport deficiency; X-linked creatine transporter deficiency; X-linked creatine deficiency syndrome; SLC6A8-Related Creatine Transporter Deficiency; CREATINE TRANSPORTER DEFECT. Identifiers: Orphanet 52503, MedGen C1845862, MONDO:0010305, OMIM 300352.

Allele frequency attached by ClinVar (database versions not stated): gnomAD exomes below 0.00001.

Submissions (2):

ClinGen Cerebral Creatine Deficiency Syndromes Variant Curation Expert Panel, ClinGen
Classification: Likely benign for Creatine transporter deficiency. Last evaluated: 2022-06-06. Review status: reviewed by expert panel. Criteria: ClinGen_CCDS_ACMG_Specifications_SLC6A8_v1.1. Collection method: curation. Allele origin: germline. Inheritance: X-linked inheritance.
Comment: The NM_005629.4:c.681G>A (p.Val227=) variant in SLC6A8 is a synonymous (silent) variant that is not predicted to impact splicing and the nucleotide is not well conserved (BP4, BP7). The variant is absent in gnomAD v2.1.1. (PM2_Supporting). To our knowledge, this variant has not been reported in the literature and results of functional studies are unavailable. There is a ClinVar entry for this variant (Variation ID: 669127). Although this variant is rare (meeting PM2_Supporting), it has been classified as likely benign by the ClinGen Creatine Deficiency Syndromes (CCDS) Variant Curation Expert Panel (VCEP) based on the recommendation of Richards et al (PMID: 25741868) because it is a synonymous variant, the altered nucleotide is not highly conserved, computational prediction suggests no impact on splicing, and there is no additional evidence to suggest that the variant is disease-causing. SLC6A8-specific ACMG/AMP criteria met, as specified by the ClinGen CCDS VCEP (Specifications Version 1.1.0): PM2_Supporting, BP4, BP7. (Classification approved by the ClinGen CCDS VCEP on June 6, 2022).

GeneDx
Classification: Likely benign. Last evaluated: 2018-05-29. Review status: criteria provided, single submitter. Criteria: GeneDx Variant Classification (06012015). Collection method: clinical testing. Allele origin: germline. Affected: yes. Not counted in ClinVar's aggregate classification.
Comment: This variant is considered likely benign or benign based on one or more of the following criteria: it is a conservative change, it occurs at a poorly conserved position in the protein, it is predicted to be benign by multiple in silico algorithms, and/or has population frequency not consistent with disease.

NM_005629.4(SLC6A8):c.681G>A (p.Val227=)

Gene: SLC6A8 (solute carrier family 6 member 8; plus strand). Cytogenetic location: Xq28.
Variant type: single nucleotide variant.
Coding change: c.681G>A on transcript NM_005629.4 (MANE Select); coding-DNA position 681, G replaced by A.
Protein change: p.Val227=; no amino-acid change (valine 227 retained).
Molecular consequence: synonymous variant.
Genome position (GRCh38, 1-based): chrX:153,692,011, G>A. VCF-style: chrX-153692011-G-A. GRCh37 (hg19) VCF-style: chrX-152957466-G-A.
Other names: NM_005629.4(SLC6A8):c.681G>A; p.Val227=; c.681G>A, p.Val227= (NM_001142805.2); c.336G>A, p.Val112= (NM_001142806.1).
Identifiers: ClinVar variation 669127 (VCV000669127.2), dbSNP rs370508642, ClinGen allele CA519186681.